The following is an entry in ClinVar:

NM_004304.5(ALK):c.3938+3A>G

Gene: ALK (ALK receptor tyrosine kinase; minus strand). Cytogenetic location: 2p23.2.
Variant type: single nucleotide variant.
Coding change: c.3938+3A>G on transcript NM_004304.5 (MANE Select); 3 bases into the intron after coding-DNA position 3938, A replaced by G.
Molecular consequence: intron variant.
Genome position (GRCh38, 1-based): chr2:29,207,168, T>C on the plus strand (A>G on the coding strand, the complement: ALK is on the minus strand). VCF-style: chr2-29207168-T-C. GRCh37 (hg19) VCF-style: chr2-29430034-T-C.
Other names: c.3938+3A>G (NM_004304.4); c.734+3A>G (NM_001353765.2).
Identifiers: ClinVar variation 1005268 (VCV001005268.8), dbSNP rs1669333067, ClinGen allele CA1241082618.

ClinVar aggregate classification (germline): Uncertain significance. Review status: criteria provided, multiple submitters, no conflicts (2 of 4 stars). 2 submissions from 2 submitters: Uncertain significance (2). Last evaluated 2026-05-26.

Conditions:
Hereditary cancer-predisposing syndrome. Also called: Hereditary neoplastic syndrome; Neoplastic Syndromes, Hereditary; Tumor predisposition; Hereditary Cancer Syndrome. Identifiers: Orphanet 140162, MedGen C0027672, MeSH D009386, MONDO:0015356.
Neuroblastoma, susceptibility to, 3. Also called: ALK-Related Neuroblastic Tumor Susceptibility. Identifiers: Orphanet 635, MedGen C2751681, MONDO:0013083, OMIM 613014.

Allele frequency attached by ClinVar (database versions not stated): gnomAD exomes below 0.00001.
gnomAD v4.1: 1 of 1,611,736 alleles (0.000062%); highest among the groups gnomAD compares: African/African-American, 0.0013%; no homozygotes.

Submissions (2):

Ambry Genetics
Classification: Uncertain significance for Hereditary cancer-predisposing syndrome. Last evaluated: 2026-05-26. Review status: criteria provided, single submitter. Criteria: Ambry Variant Classification Scheme 2023. Collection method: clinical testing. Allele origin: germline.
Comment: The c.3938+3A>G intronic variant results from an A to G substitution 3 nucleotides after coding exon 26 in the ALK gene. This nucleotide position is poorly conserved in available vertebrate species. In silico splice site analysis for this alteration is inconclusive. Based on the available evidence, the clinical significance of this variant remains unclear.

Labcorp Genetics (formerly Invitae), Labcorp
Classification: Uncertain significance for Neuroblastoma, susceptibility to, 3. Last evaluated: 2020-02-04. Review status: criteria provided, single submitter. Criteria: Invitae Variant Classification Sherloc (09022015). Collection method: clinical testing. Allele origin: germline.
Comment: In summary, the available evidence is currently insufficient to determine the role of this variant in disease. Therefore, it has been classified as a Variant of Uncertain Significance. Nucleotide substitutions within the consensus splice site are a relatively common cause of aberrant splicing (PMID: 17576681, 9536098). Algorithms developed to predict the effect of sequence changes on RNA splicing suggest that this variant is not likely to affect RNA splicing, but this prediction has not been confirmed by published transcriptional studies. This variant has not been reported in the literature in individuals with ALK-related conditions. This variant is not present in population databases (ExAC no frequency). This sequence change falls in intron 26 of the ALK gene. It does not directly change the encoded amino acid sequence of the ALK protein, but it affects a nucleotide within the consensus splice site of the intron.

Literature cited by the submitters: PubMed 17576681 (cited by Labcorp Genetics (formerly Invitae), Labcorp); PubMed 9536098 (cited by Labcorp Genetics (formerly Invitae), Labcorp).